The following is an entry in ClinVar:

NC_000023.10:g.(?_31613687)_31986641dup

Gene: DMD (dystrophin; minus strand).
Variant type: Duplication.
Identifiers: ClinVar variation 1068247 (VCV001068247.2).

ClinVar aggregate classification (germline): Likely pathogenic (1 of 4 stars; one submission).

Conditions:
Duchenne muscular dystrophy (DMD). Also called: MUSCULAR DYSTROPHY, PSEUDOHYPERTROPHIC PROGRESSIVE, DUCHENNE TYPE; Duchenne Muscular Dystrophy (DMD). Identifiers: Orphanet 98896, MedGen C0013264, MONDO:0010679, OMIM 310200.

Submission:

Labcorp Genetics (formerly Invitae), Labcorp
Classification: Likely pathogenic for Duchenne muscular dystrophy. Last evaluated: 2018-11-09. Review status: criteria provided, single submitter. Criteria: Invitae Variant Classification Sherloc (09022015). Collection method: clinical testing. Allele origin: germline.
Comment: This variant results in a copy number gain of the genomic region encompassing exons 45-55 of the DMD gene. While the exact position of this variant cannot be determined from this data, sub-genic copy number gains are generally in tandem (PMID: 25640679). This variant would be expected to be in-frame, preserving the integrity of the reading frame. A similar duplication of exons 45-55 has been observed in individuals affected with Duchenne muscular dystrophy or Becker muscular dystrophy, and one of these individuals also has a second DMD duplication event (PMID:¬†16917894). Sub-genic duplication of exons 50-55 has been determined to be pathogenic (PMID: 12111668, 16917894, Invitae). Therefore, duplications that fully encompass that region are also expected to be pathogenic. In summary, the currently available evidence indicates that the variant is pathogenic, but additional data are needed to prove that conclusively. Therefore, this variant has been classified as Likely Pathogenic.

Literature cited by the submitters: PubMed 25640679; PubMed 16917894; PubMed 12111668.